The following is an entry in ClinVar:

NM_001220.5(CAMK2B):c.1741G>C (p.Asp581His)

Gene: CAMK2B (calcium/calmodulin dependent protein kinase II beta; minus strand). Cytogenetic location: 7p13.
Variant type: single nucleotide variant.
Coding change: c.1741G>C on transcript NM_001220.5 (MANE Select); coding-DNA position 1741, G replaced by C.
Protein change: p.Asp581His; replaces aspartic acid 581 with histidine.
Molecular consequence: missense variant. On other transcripts: intron variant (1).
Genome position (GRCh38, 1-based): chr7:44,220,643, C>G on the plus strand (G>C on the coding strand, the complement: CAMK2B is on the minus strand). VCF-style: chr7-44220643-C-G. GRCh37 (hg19) VCF-style: chr7-44260242-C-G.
Other names: c.1369G>C, p.Asp457His (NM_001293170.2, NM_172078.3); c.1297G>C, p.Asp433His (NM_172079.3); c.1294G>C, p.Asp432His (NM_172080.3); c.1252G>C, p.Asp418His (NM_172081.3); c.1180G>C, p.Asp394His (NM_172083.3); c.1090G>C, p.Asp364His (NM_172084.3); c.1230-11G>C (NM_172082.3); short protein forms D364H, D418H, D433H, D394H, D432H, D457H, D581H.
Identifiers: ClinVar variation 2087303 (VCV002087303.4), dbSNP rs1327333288, ClinGen allele CA367369495.

ClinVar aggregate classification (germline): Uncertain significance (1 of 4 stars; one submission).

Submission:

Labcorp Genetics (formerly Invitae), Labcorp
Classification: Uncertain significance. Last evaluated: 2025-02-10. Review status: criteria provided, single submitter. Criteria: Invitae Variant Classification Sherloc (09022015). Collection method: clinical testing. Allele origin: germline.
Comment: This sequence change replaces aspartic acid, which is acidic and polar, with histidine, which is basic and polar, at codon 581 of the CAMK2B protein (p.Asp581His). This variant is not present in population databases (gnomAD no frequency). This variant has not been reported in the literature in individuals affected with CAMK2B-related conditions. ClinVar contains an entry for this variant (Variation ID: 2087303). An algorithm developed to predict the effect of missense changes on protein structure and function (PolyPhen-2) suggests that this variant is likely to be disruptive. In summary, the available evidence is currently insufficient to determine the role of this variant in disease. Therefore, it has been classified as a Variant of Uncertain Significance.